The following is an entry in ClinVar:

NM_001497.4(B4GALT1):c.770A>G (p.His257Arg)

Gene: B4GALT1 (beta-1,4-galactosyltransferase 1; minus strand). Cytogenetic location: 9p21.1.
Variant type: single nucleotide variant.
Coding change: c.770A>G on transcript NM_001497.4 (MANE Select); coding-DNA position 770, A replaced by G.
Protein change: p.His257Arg; replaces histidine 257 with arginine.
Molecular consequence: missense variant. On other transcripts: intron variant (1).
Genome position (GRCh38, 1-based): chr9:33,120,485, T>C on the plus strand (A>G on the coding strand, the complement: B4GALT1 is on the minus strand). VCF-style: chr9-33120485-T-C. GRCh37 (hg19) VCF-style: chr9-33120483-T-C.
Other names: c.731A>G, p.His244Arg (NM_001378495.1); c.770A>G, p.His257Arg (NM_001378496.1); c.648+14704A>G (NM_001378497.1); short protein forms H257R, H244R.
Identifiers: ClinVar variation 366659 (VCV000366659.14), dbSNP rs9169, ClinGen allele CA5023694.

ClinVar aggregate classification (germline): Benign/Likely benign. Review status: criteria provided, multiple submitters, no conflicts (2 of 4 stars). 4 submissions from 4 submitters: Benign (2); Likely benign (1). 1 of the submissions does not count toward it. Last evaluated 2026-01-12.

Conditions:
Inborn genetic diseases. Identifiers: MedGen C0950123, MeSH D030342.
B4GALT1-related disorder. Also called: B4GALT1-related condition.

Allele frequency attached by ClinVar (database versions not stated): 1000 Genomes Project 30x 0.00016; 1000 Genomes Project 0.00020; gnomAD 0.00027 and 0.00031; TOPMed 0.00031; ExAC 0.00035; ESP Exome Variant Server 0.00038; gnomAD exomes 0.00040.

Submissions (4):

Labcorp Genetics (formerly Invitae), Labcorp
Classification: Benign. Last evaluated: 2026-01-12. Review status: criteria provided, single submitter. Criteria: Invitae Variant Classification Sherloc (09022015). Collection method: clinical testing. Allele origin: germline.

Ambry Genetics
Classification: Likely benign for Inborn genetic diseases. Last evaluated: 2021-10-29. Review status: criteria provided, single submitter. Criteria: Ambry Variant Classification Scheme 2023. Collection method: clinical testing. Allele origin: germline.

Breakthrough Genomics
Classification: Benign. Review status: criteria provided, single submitter. Criteria: ACMG Guidelines, 2015. Collection method: not provided. Allele origin: germline. Inheritance: Autosomal recessive inheritance. Affected: yes.

PreventionGenetics, part of Exact Sciences
Classification: Likely benign for B4GALT1-related condition. Last evaluated: 2020-03-20. Review status: no assertion criteria provided. Collection method: clinical testing. Allele origin: germline. Not counted in ClinVar's aggregate classification.
Comment: This variant is classified as likely benign based on ACMG/AMP sequence variant interpretation guidelines (Richards et al. 2015 PMID: 25741868, with internal and published modifications).